The following is an entry in ClinVar:

ClinVar aggregate classification (germline): Likely pathogenic (1 of 4 stars; one submission).

Conditions:
Glucocorticoid deficiency with achalasia (AAAS). Also called: ALACRIMA-ACHALASIA-ADRENAL INSUFFICIENCY NEUROLOGIC DISORDER; Addisonian achalasia syndrome; Triple-A syndrome; Achalasia-addisonianism-alacrimia syndrome; AAA syndrome; Allgrove syndrome. Identifiers: Orphanet 869, MedGen C0271742, MONDO:0009279, OMIM 231550.

Submission:

Diagnostics Services (NGS), CSIR - Centre For Cellular And Molecular Biology
Classification: Likely pathogenic for Glucocorticoid deficiency with achalasia. Last evaluated: 2025-04-09. Review status: criteria provided, single submitter. Criteria: ACMG Guidelines, 2015. Collection method: clinical testing. Allele origin: germline. Affected: yes. Observed: 1 variant allele, 1 homozygote.
Comment: The c.771dup variant is not present in publicly available population databases like 1000 Genomes, EVS, Indian Exome Database or our internal database. The variant is present in gnomAD at a low frequency. This variant has neither been published in the literature for AAAS-related conditions nor reported to clinical databases like Human Genome Mutation database (HGMD), OMIM, or ClinVar in any affected individuals. In-silico pathogenicity prediction programs like MutationTaster2021, CADD, Franklin, Varsome etc predicted this variant to be likely deleterious. This variant causes frameshift at the 258th amino acid position of the wild-type transcript which creates a premature translational stop-signal at the altered transcript that may either result in translation of a truncated protein or cause nonsense mediated decay of the mRNA.

NM_015665.6(AAAS):c.771dup (p.Arg258fs)

Gene: AAAS (aladin WD repeat nucleoporin; minus strand). Cytogenetic location: 12q13.13.
Variant type: Duplication.
Coding change: c.771dup on transcript NM_015665.6 (MANE Select); coding-DNA position 771, one base duplicated (G; older notation c.771dupG).
Protein change: p.Arg258fs; shifts the reading frame from arginine 258.
Molecular consequence: frameshift variant.
Genome position (GRCh38, 1-based): chr12:53,309,640, C duplicated on the plus strand (G on the coding strand, the reverse complement: AAAS is on the minus strand); the first of 6 consecutive C bases (chr12:53,309,640-53,309,645); duplicating any one gives the same sequence. VCF-style (leftmost placement, unchanged base first): chr12-53309639-G-GC. GRCh37 (hg19) VCF-style: chr12-53703423-G-GC.
Other names: c.672dup, p.Arg225fs (NM_001173466.2); short protein forms R225fs, R258fs.
Identifiers: ClinVar variation 3893282 (VCV003893282.1).